The following is an entry in ClinVar:

NM_003072.5(SMARCA4):c.1101G>A (p.Leu367=)

Gene: SMARCA4 (SWI/SNF related BAF chromatin remodeling complex subunit ATPase 4; plus strand). Cytogenetic location: 19p13.2.
Variant type: single nucleotide variant.
Coding change: c.1101G>A on transcript NM_003072.5 (MANE Select); coding-DNA position 1101, G replaced by A.
Protein change: p.Leu367=; no amino-acid change (leucine 367 retained).
Molecular consequence: synonymous variant. On other transcripts: non-coding transcript variant (1).
Genome position (GRCh38, 1-based): chr19:10,987,907, G>A. VCF-style: chr19-10987907-G-A. GRCh37 (hg19) VCF-style: chr19-11098583-G-A.
Other names: c.1101G>A, p.Leu367= (NM_001128849.3, NM_001374457.1, NM_001387283.1 and 5 more transcripts).
Identifiers: ClinVar variation 415102 (VCV000415102.16), dbSNP rs765808493, ClinGen allele CA9203673.

ClinVar aggregate classification (germline): Benign/Likely benign. Review status: criteria provided, multiple submitters, no conflicts (2 of 4 stars). 4 submissions from 4 submitters: Benign (1); Likely benign (3). Last evaluated 2026-07-09.

Conditions:
Hereditary cancer-predisposing syndrome. Also called: Hereditary Cancer Syndrome; Hereditary neoplastic syndrome; Neoplastic Syndromes, Hereditary; Tumor predisposition. Identifiers: Orphanet 140162, MedGen C0027672, MeSH D009386, MONDO:0015356.
Rhabdoid tumor predisposition syndrome 2 (RTPS2). Identifiers: Orphanet 231108, Orphanet 69077, MedGen C2750074, MONDO:0013224, OMIM 613325.

Allele frequency attached by ClinVar (database versions not stated): ExAC below 0.00001; gnomAD exomes below 0.00001.
gnomAD v4.1: 1 of 1,612,932 alleles (0.000062%); highest among the groups gnomAD compares: Non-Finnish European, 0.000085%; no homozygotes.

Submissions (4):

Myriad Genetics, Inc.
Classification: Benign for Rhabdoid tumor predisposition syndrome 2. Last evaluated: 2026-07-09. Review status: criteria provided, single submitter. Criteria: Myriad Autosomal Dominant, Autosomal Recessive and X-Linked Classification Criteria (2023). Collection method: clinical testing. Allele origin: unknown.
Comment: This variant is considered benign. This variant is a silent/synonymous amino acid change and it is not expected to impact splicing.

Quest Diagnostics Nichols Institute San Juan Capistrano
Classification: Likely benign. Last evaluated: 2025-09-12. Review status: criteria provided, single submitter. Criteria: Quest Diagnostics criteria. Collection method: clinical testing. Allele origin: unknown.

Labcorp Genetics (formerly Invitae), Labcorp
Classification: Likely benign for Rhabdoid tumor predisposition syndrome 2. Last evaluated: 2024-12-23. Review status: criteria provided, single submitter. Criteria: Invitae Variant Classification Sherloc (09022015). Collection method: clinical testing. Allele origin: germline.

Ambry Genetics
Classification: Likely benign for Hereditary cancer-predisposing syndrome. Last evaluated: 2020-02-03. Review status: criteria provided, single submitter. Criteria: Ambry Variant Classification Scheme 2023. Collection method: clinical testing. Allele origin: germline.